The following is an entry in ClinVar:

ClinVar aggregate classification (germline): Uncertain significance. Review status: criteria provided, multiple submitters, no conflicts (2 of 4 stars). 2 submissions from 2 submitters: Uncertain significance (2). Last evaluated 2026-01-12.

Conditions:
Inborn genetic diseases. Identifiers: MedGen C0950123, MeSH D030342.

Allele frequency attached by ClinVar (database versions not stated): ExAC 0.00001.

Submissions (2):

Labcorp Genetics (formerly Invitae), Labcorp
Classification: Uncertain significance. Last evaluated: 2026-01-12. Review status: criteria provided, single submitter. Criteria: Invitae Variant Classification Sherloc (09022015). Collection method: clinical testing. Allele origin: germline.
Comment: This sequence change replaces methionine, which is neutral and non-polar, with leucine, which is neutral and non-polar, at codon 523 of the CSF1R protein (p.Met523Leu). This variant is present in population databases (rs773444332, gnomAD 0.003%). This variant has not been reported in the literature in individuals affected with CSF1R-related conditions. ClinVar contains an entry for this variant (Variation ID: 2230661). Invitae Evidence Modeling of protein sequence and biophysical properties (such as structural, functional, and spatial information, amino acid conservation, physicochemical variation, residue mobility, and thermodynamic stability) indicates that this missense variant is not expected to disrupt CSF1R protein function with a negative predictive value of 95%. In summary, the available evidence is currently insufficient to determine the role of this variant in disease. Therefore, it has been classified as a Variant of Uncertain Significance.

Ambry Genetics
Classification: Uncertain significance for Inborn genetic diseases. Last evaluated: 2021-04-28. Review status: criteria provided, single submitter. Criteria: Ambry Variant Classification Scheme 2023. Collection method: clinical testing. Allele origin: germline.

NM_001288705.3(CSF1R):c.1567A>C (p.Met523Leu)

Gene: CSF1R (colony stimulating factor 1 receptor; minus strand). Cytogenetic location: 5q32.
Variant type: single nucleotide variant.
Coding change: c.1567A>C on transcript NM_001288705.3 (MANE Select); coding-DNA position 1567, A replaced by C.
Protein change: p.Met523Leu; replaces methionine 523 with leucine.
Molecular consequence: missense variant. On other transcripts: non-coding transcript variant (2).
Genome position (GRCh38, 1-based): chr5:150,068,274, T>G on the plus strand (A>C on the coding strand, the complement: CSF1R is on the minus strand). VCF-style: chr5-150068274-T-G. GRCh37 (hg19) VCF-style: chr5-149447837-T-G.
Other names: c.1567A>C, p.Met523Leu (NM_001349736.2, NM_001375320.1, NM_005211.4); c.1123A>C, p.Met375Leu (NM_001375321.1); short protein forms M523L, M375L.
Identifiers: ClinVar variation 2230661 (VCV002230661.3), dbSNP rs773444332, ClinGen allele CA3506779.